The following is an entry in ClinVar:

NM_006662.3(SRCAP):c.7369del (p.Val2458fs)

Gene: SRCAP (Snf2 related CREBBP activator protein; plus strand). Cytogenetic location: 16p11.2.
Variant type: Deletion.
Coding change: c.7369del on transcript NM_006662.3 (MANE Select); coding-DNA position 7369, one base deleted (C; older notation c.7369delC).
Protein change: p.Val2458fs; shifts the reading frame from valine 2458.
Molecular consequence: frameshift variant.
Genome position (GRCh38, 1-based): chr16:30,737,409, C deleted; the last of 3 consecutive C bases (chr16:30,737,407-30,737,409); deleting any one gives the same sequence. VCF-style (leftmost placement, unchanged base first): chr16-30737406-GC-G. GRCh37 (hg19) VCF-style: chr16-30748727-GC-G.
Other names: short protein forms V2458fs.
Identifiers: ClinVar variation 4292008 (VCV004292008.1).
Genomic context (GRCh38, chr16:30,737,406, plus strand): 5'-GTTCCCAGGCCAGCACCTAGGCCTCGACCCACTCCAGCTTCAGCTCCGGCTGCAATTCCT[GC>G]CCTTGTTCCTGTCCCAGTTTCTGCCCCAGTACCCATTTCAGCCCCAAATCCAATAACCAT-3'

ClinVar aggregate classification (germline): Likely pathogenic (1 of 4 stars; one submission).

Conditions:
Floating-Harbor syndrome (FLHS). Also called: Short stature with delayed bone age, expressive language delay, a triangular face with a prominent nose and deep-set eyes; Pelletier-Leisti syndrome; SRCAP-Related Floating-Harbor Syndrome. Identifiers: Orphanet 2044, MedGen C0729582, MONDO:0007621, OMIM 136140.

Submission:

3billion
Classification: Likely pathogenic for Floating-Harbor syndrome. Last evaluated: 2024-07-03. Review status: criteria provided, single submitter. Criteria: ACMG Guidelines, 2015. Collection method: clinical testing. Allele origin: germline. Affected: yes.
Comment: The variant is not observed in the gnomAD v4.0.0 dataset. Predicted Consequence/Location: Frameshift: predicted to result in a loss or disruption of normal protein function through protein truncation. The predicted truncated protein may be shortened by more than 10%. Therefore, this variant is classified as Likely pathogenic according to the recommendation of ACMG/AMP guideline.